The following is an entry in ClinVar:

NM_004715.5(CTDP1):c.2623G>A (p.Glu875Lys)

Gene: CTDP1 (CTD phosphatase subunit 1; plus strand). Cytogenetic location: 18q23.
Variant type: single nucleotide variant.
Coding change: c.2623G>A on transcript NM_004715.5 (MANE Select); coding-DNA position 2623, G replaced by A.
Protein change: p.Glu875Lys; replaces glutamic acid 875 with lysine.
Molecular consequence: missense variant. On other transcripts: synonymous variant (1), intron variant (1).
Genome position (GRCh38, 1-based): chr18:79,736,397, G>A. VCF-style: chr18-79736397-G-A. GRCh37 (hg19) VCF-style: chr18-77496397-G-A.
Other names: c.2266G>A, p.Glu756Lys (NM_001202504.1); c.2460G>A, p.Ala820= (NM_048368.4); c.2580+7328G>A (NM_001318511.2); short protein forms E875K, E756K.
Identifiers: ClinVar variation 1971575 (VCV001971575.4), dbSNP rs961827482, ClinGen allele CA402834441.

ClinVar aggregate classification (germline): Uncertain significance. Review status: criteria provided, multiple submitters, no conflicts (2 of 4 stars). 2 submissions from 2 submitters: Uncertain significance (2). Last evaluated 2023-10-20.

Allele frequency attached by ClinVar (database versions not stated): gnomAD exomes 0.00001.
gnomAD v4.1: 14 of 1,549,366 alleles (0.0009%); highest among the groups gnomAD compares: African/African-American, 0.0014%; no homozygotes.

Submissions (2):

Ambry Genetics
Classification: Uncertain significance. Last evaluated: 2023-10-20. Review status: criteria provided, single submitter. Criteria: Ambry Variant Classification Scheme 2023. Collection method: clinical testing. Allele origin: germline.

Labcorp Genetics (formerly Invitae), Labcorp
Classification: Uncertain significance. Last evaluated: 2022-06-23. Review status: criteria provided, single submitter. Criteria: Invitae Variant Classification Sherloc (09022015). Collection method: clinical testing. Allele origin: germline.
Comment: In summary, the available evidence is currently insufficient to determine the role of this variant in disease. Therefore, it has been classified as a Variant of Uncertain Significance. Algorithms developed to predict the effect of missense changes on protein structure and function are either unavailable or do not agree on the potential impact of this missense change (SIFT: "Tolerated"; PolyPhen-2: "Possibly Damaging"; Align-GVGD: "Class C0"). This variant has not been reported in the literature in individuals affected with CTDP1-related conditions. This variant is not present in population databases (gnomAD no frequency). This sequence change replaces glutamic acid, which is acidic and polar, with lysine, which is basic and polar, at codon 875 of the CTDP1 protein (p.Glu875Lys).